The following is an entry in ClinVar:

ClinVar aggregate classification (germline): Likely pathogenic. Review status: criteria provided, single submitter (1 of 4 stars). 2 submissions from 2 submitters: Likely pathogenic (1). 1 of the submissions does not count toward it. Last evaluated 2023-11-27.

Conditions:
Developmental and epileptic encephalopathy, 11 (DEE11). Also called: Early infantile epileptic encephalopathy 11. Identifiers: Orphanet 1934, MedGen C3150987, MONDO:0013388, OMIM 613721.
Seizures, benign familial infantile, 3 (BFIS3). Also called: CONVULSIONS, BENIGN FAMILIAL INFANTILE, 3; Familial neonatal seizures. Identifiers: Orphanet 140927, Orphanet 306, MedGen C1843140, MONDO:0011904, OMIM 607745.

Submissions (2):

Labcorp Genetics (formerly Invitae), Labcorp
Classification: Likely pathogenic for Seizures, benign familial infantile, 3; Developmental and epileptic encephalopathy, 11. Last evaluated: 2023-11-27. Review status: criteria provided, single submitter. Criteria: Invitae Variant Classification Sherloc (09022015). Collection method: clinical testing. Allele origin: germline.
Comment: This sequence change replaces methionine, which is neutral and non-polar, with valine, which is neutral and non-polar, at codon 958 of the SCN2A protein (p.Met958Val). This variant is not present in population databases (gnomAD no frequency). This missense change has been observed in individuals with SCN2A-related conditions (PMID: 29215089; Invitae). It has also been observed to segregate with disease in related individuals. ClinVar contains an entry for this variant (Variation ID: 1342681). Advanced modeling of protein sequence and biophysical properties (such as structural, functional, and spatial information, amino acid conservation, physicochemical variation, residue mobility, and thermodynamic stability) has been performed at Invitae for this missense variant, however the output from this modeling did not meet the statistical confidence thresholds required to predict the impact of this variant on SCN2A protein function. In summary, the currently available evidence indicates that the variant is pathogenic, but additional data are needed to prove that conclusively. Therefore, this variant has been classified as Likely Pathogenic.

Neurology Department, Shenzhen Children's Hospital
Classification: Pathogenic for Seizures, benign familial infantile, 3. Last evaluated: 2022-02-16. Review status: no assertion criteria provided. Collection method: clinical testing. Allele origin: paternal. Affected: yes. Not counted in ClinVar's aggregate classification.

Literature cited by the submitters: PubMed 29215089 (cited by Labcorp Genetics (formerly Invitae), Labcorp).

NM_001040142.2(SCN2A):c.2872A>G (p.Met958Val)

Gene: SCN2A (sodium voltage-gated channel alpha subunit 2; plus strand). Cytogenetic location: 2q24.3.
Variant type: single nucleotide variant.
Coding change: c.2872A>G on transcript NM_001040142.2 (MANE Select); coding-DNA position 2872, A replaced by G.
Protein change: p.Met958Val; replaces methionine 958 with valine.
Molecular consequence: missense variant.
Genome position (GRCh38, 1-based): chr2:165,344,864, A>G. VCF-style: chr2-165344864-A-G. GRCh37 (hg19) VCF-style: chr2-166201374-A-G.
Other names: c.2872A>G, p.Met958Val (NM_001040143.2, NM_001371246.1, NM_001371247.1 and 1 more transcripts); short protein forms M958V.
Identifiers: ClinVar variation 1342681 (VCV001342681.10), dbSNP rs2105319172, ClinGen allele CA349016292.